The following is an entry in ClinVar:

NM_000142.5(FGFR3):c.1680G>C (p.Lys560Asn)

Gene: FGFR3 (fibroblast growth factor receptor 3; plus strand). Cytogenetic location: 4p16.3.
Variant type: single nucleotide variant.
Coding change: c.1680G>C on transcript NM_000142.5 (MANE Select); coding-DNA position 1680, G replaced by C.
Protein change: p.Lys560Asn; replaces lysine 560 with asparagine.
Molecular consequence: missense variant. On other transcripts: non-coding transcript variant (1).
Genome position (GRCh38, 1-based): chr4:1,805,784, G>C. VCF-style: chr4-1805784-G-C. GRCh37 (hg19) VCF-style: chr4-1807511-G-C.
Other names: c.1686G>C, p.Lys562Asn (NM_001163213.2); c.1683G>C, p.Lys561Asn (NM_001354809.2, NM_001354810.2); c.1344G>C, p.Lys448Asn (NM_022965.4); short protein forms K560N, K562N, K448N, K561N.
Identifiers: ClinVar variation 1941807 (VCV001941807.5), dbSNP rs2546830134, ClinGen allele CA355981711.
Genomic context (GRCh38, chr4:1,805,784, plus strand): 5'-CCCGTCTGAGGAGCCCGTGTCCCCAGGGCCCCTGTACGTGCTGGTGGAGTACGCGGCCAA[G>C]GGTAACCTGCGGGAGTTTCTGCGGGCGCGGCGGCCCCCGGGCCTGGACTACTCCTTCGAC-3'
Protein context (NP_000133.1, residues 550-570): PLYVLVEYAA[Lys560Asn]GNLREFLRAR

ClinVar aggregate classification (germline): Uncertain significance (1 of 4 stars; one submission).

Submission:

Labcorp Genetics (formerly Invitae), Labcorp
Classification: Uncertain significance. Last evaluated: 2022-05-15. Review status: criteria provided, single submitter. Criteria: Invitae Variant Classification Sherloc (09022015). Collection method: clinical testing. Allele origin: germline.
Comment: In summary, the available evidence is currently insufficient to determine the role of this variant in disease. Therefore, it has been classified as a Variant of Uncertain Significance. Algorithms developed to predict the effect of missense changes on protein structure and function are either unavailable or do not agree on the potential impact of this missense change (SIFT: "Tolerated"; PolyPhen-2: "Probably Damaging"; Align-GVGD: "Class C25"). This variant has not been reported in the literature in individuals affected with FGFR3-related conditions. This variant is not present in population databases (gnomAD no frequency). This sequence change replaces lysine, which is basic and polar, with asparagine, which is neutral and polar, at codon 560 of the FGFR3 protein (p.Lys560Asn).